The following is an entry in ClinVar:

ClinVar aggregate classification (germline): Uncertain significance (1 of 4 stars; one submission).

gnomAD v4.1: 1 of 1,613,528 alleles (0.000062%); highest among the groups gnomAD compares: Admixed American, 0.0017%; no homozygotes.

Submission:

Labcorp Genetics (formerly Invitae), Labcorp
Classification: Uncertain significance. Last evaluated: 2025-04-17. Review status: criteria provided, single submitter. Criteria: Invitae Variant Classification Sherloc (09022015). Collection method: clinical testing. Allele origin: germline.
Comment: This sequence change replaces phenylalanine, which is neutral and non-polar, with leucine, which is neutral and non-polar, at codon 115 of the MKL1 protein (p.Phe115Leu). This variant is present in population databases (no rsID available, gnomAD 0.1%). This variant has not been reported in the literature in individuals affected with MKL1-related conditions. An algorithm developed to predict the effect of missense changes on protein structure and function (PolyPhen-2) suggests that this variant is likely to be disruptive. In summary, the available evidence is currently insufficient to determine the role of this variant in disease. Therefore, it has been classified as a Variant of Uncertain Significance.

NM_020831.6(MRTFA):c.645C>G (p.Phe215Leu)

Gene: MRTFA (myocardin related transcription factor A; minus strand). Cytogenetic location: 22q13.1.
Variant type: single nucleotide variant.
Coding change: c.645C>G on transcript NM_020831.6 (MANE Select); coding-DNA position 645, C replaced by G.
Protein change: p.Phe215Leu; replaces phenylalanine 215 with leucine.
Molecular consequence: missense variant.
Genome position (GRCh38, 1-based): chr22:40,424,338, G>C on the plus strand (C>G on the coding strand, the complement: MRTFA is on the minus strand). VCF-style: chr22-40424338-G-C. GRCh37 (hg19) VCF-style: chr22-40820342-G-C.
Other names: c.345C>G, p.Phe115Leu (NM_001282660.2); c.645C>G, p.Phe215Leu (NM_001282661.3, NM_001282662.3); c.450C>G, p.Phe150Leu (NM_001318139.2); short protein forms F150L, F115L, F215L.
Identifiers: ClinVar variation 4775323 (VCV004775323.1).